The following is an entry in ClinVar:

ClinVar aggregate classification (germline): Conflicting classifications of pathogenicity. Review status: criteria provided, conflicting classifications (1 of 4 stars). 2 submissions from 2 submitters: Uncertain significance (1); Benign (1). Last evaluated 2025-12-28.

Conditions:
Kabuki syndrome. Also called: Kabuki make-up syndrome; NIIKAWA-KUROKI SYNDROME. Identifiers: Orphanet 2322, MedGen C0796004, MONDO:0016512.
KMT2D-related disorder. Also called: KMT2D-Related Disorders.

gnomAD v4.1: 3 of 1,613,124 alleles (0.00019%); highest among the groups gnomAD compares: East Asian, 0.0067%; no homozygotes.

Submissions (2):

PreventionGenetics, part of Exact Sciences
Classification: Uncertain significance for KMT2D-related condition. Last evaluated: 2025-12-28. Review status: criteria provided, single submitter. Criteria: ACMG Guidelines, 2015. Collection method: clinical testing. Allele origin: germline.
Comment: The KMT2D c.10043C>T variant is predicted to result in the amino acid substitution p.Ala3348Val. To our knowledge, this variant has not been reported in the literature. This variant is reported in 0.022% of alleles in individuals of East Asian descent in gnomAD. At this time, the clinical significance of this variant is uncertain due to the absence of conclusive functional and genetic evidence.

Labcorp Genetics (formerly Invitae), Labcorp
Classification: Benign for Kabuki syndrome. Last evaluated: 2024-05-14. Review status: criteria provided, single submitter. Criteria: Invitae Variant Classification Sherloc (09022015). Collection method: clinical testing. Allele origin: germline.

NM_003482.4(KMT2D):c.10043C>T (p.Ala3348Val)

Gene: KMT2D (lysine methyltransferase 2D; minus strand). Cytogenetic location: 12q13.12.
Variant type: single nucleotide variant.
Coding change: c.10043C>T on transcript NM_003482.4 (MANE Select); coding-DNA position 10043, C replaced by T.
Protein change: p.Ala3348Val; replaces alanine 3348 with valine.
Molecular consequence: missense variant.
Genome position (GRCh38, 1-based): chr12:49,037,313, G>A on the plus strand (C>T on the coding strand, the complement: KMT2D is on the minus strand). VCF-style: chr12-49037313-G-A. GRCh37 (hg19) VCF-style: chr12-49431096-G-A.
Other names: short protein forms A3348V.
Identifiers: ClinVar variation 3704462 (VCV003704462.3).